The following is an entry in ClinVar:

ClinVar aggregate classification (germline): Uncertain significance. Review status: criteria provided, multiple submitters, no conflicts (2 of 4 stars). 2 submissions from 2 submitters: Uncertain significance (2). Last evaluated 2022-10-12.

Conditions:
Inborn genetic diseases. Identifiers: MedGen C0950123, MeSH D030342.
Fetal akinesia deformation sequence 1 (FADS1). Also called: Pena-Shokeir syndrome type I; Fetal akinesia sequence. Identifiers: Orphanet 994, MedGen C1276035, MONDO:0100101, OMIM 208150, HP:0001989.
Congenital myasthenic syndrome 10. Also called: Myasthenia, limb-girdle, familial. Identifiers: Orphanet 590, MedGen C1850792, MONDO:0009690, OMIM 254300.

Allele frequency attached by ClinVar (database versions not stated): gnomAD exomes below 0.00001; ExAC 0.00001; gnomAD 0.00001; TOPMed 0.00001.
gnomAD v4.1: 1 of 1,605,172 alleles (0.000062%); highest among the groups gnomAD compares: Non-Finnish European, 0.000085%; no homozygotes.

Submissions (2):

Ambry Genetics
Classification: Uncertain significance for Inborn genetic diseases. Last evaluated: 2022-10-12. Review status: criteria provided, single submitter. Criteria: Ambry Variant Classification Scheme 2023. Collection method: clinical testing. Allele origin: germline.

Labcorp Genetics (formerly Invitae), Labcorp
Classification: Uncertain significance for Congenital myasthenic syndrome 10; Fetal akinesia deformation sequence 1. Last evaluated: 2022-08-09. Review status: criteria provided, single submitter. Criteria: Invitae Variant Classification Sherloc (09022015). Collection method: clinical testing. Allele origin: germline.
Comment: This sequence change replaces glycine, which is neutral and non-polar, with glutamic acid, which is acidic and polar, at codon 483 of the DOK7 protein (p.Gly483Glu). This variant is not present in population databases (gnomAD no frequency). This variant has not been reported in the literature in individuals affected with DOK7-related conditions. ClinVar contains an entry for this variant (Variation ID: 1026036). Algorithms developed to predict the effect of missense changes on protein structure and function are either unavailable or do not agree on the potential impact of this missense change (SIFT: "Deleterious"; PolyPhen-2: "Probably Damaging"; Align-GVGD: "Class C0"). In summary, the available evidence is currently insufficient to determine the role of this variant in disease. Therefore, it has been classified as a Variant of Uncertain Significance.

NM_173660.5(DOK7):c.1448G>A (p.Gly483Glu)

Gene: DOK7 (docking protein 7; plus strand). Cytogenetic location: 4p16.3.
Variant type: single nucleotide variant.
Coding change: c.1448G>A on transcript NM_173660.5 (MANE Select); coding-DNA position 1448, G replaced by A.
Protein change: p.Gly483Glu; replaces glycine 483 with glutamic acid.
Molecular consequence: missense variant. On other transcripts: 3 prime UTR variant (1).
Genome position (GRCh38, 1-based): chr4:3,493,434, G>A. VCF-style: chr4-3493434-G-A. GRCh37 (hg19) VCF-style: chr4-3495161-G-A.
Other names: c.1448G>A (NM_173660.4); c.*669G>A (NM_001164673.2); c.518G>A, p.Gly173Glu (NM_001256896.2); c.1448G>A, p.Gly483Glu (NM_001301071.2); c.1016G>A, p.Gly339Glu (NM_001363811.2); short protein forms G173E, G339E, G483E.
Identifiers: ClinVar variation 1026036 (VCV001026036.7), dbSNP rs761289689, ClinGen allele CA2829527.